The following is an entry in ClinVar:

ClinVar aggregate classification (germline): Uncertain significance (1 of 4 stars; one submission).

Submission:

Labcorp Genetics (formerly Invitae), Labcorp
Classification: Uncertain significance. Last evaluated: 2022-07-23. Review status: criteria provided, single submitter. Criteria: Invitae Variant Classification Sherloc (09022015). Collection method: clinical testing. Allele origin: germline.
Comment: In summary, the available evidence is currently insufficient to determine the role of this variant in disease. Therefore, it has been classified as a Variant of Uncertain Significance. Experimental studies and prediction algorithms are not available or were not evaluated, and the functional significance of this variant is currently unknown. This variant has not been reported in the literature in individuals affected with RNF43-related conditions. This variant is not present in population databases (gnomAD no frequency). This sequence change creates a premature translational stop signal (p.Val674Glnfs*24) in the RNF43 gene. It is expected to result in an absent or disrupted protein product. However, the current clinical and genetic evidence is not sufficient to establish whether loss-of-function variants in RNF43 cause disease.

NM_017763.6(RNF43):c.2019_2025del (p.Val674fs)

Gene: RNF43 (ring finger protein 43; minus strand). Cytogenetic location: 17q22.
Variant type: Deletion.
Coding change: c.2019_2025del on transcript NM_017763.6 (MANE Select); coding-DNA positions 2019 to 2025, 7 bases deleted (TGTGCAC; older notation c.2019_2025delTGTGCAC).
Protein change: p.Val674fs; shifts the reading frame from valine 674.
Molecular consequence: frameshift variant.
Genome position (GRCh38, 1-based): chr17:58,357,751-58,357,757, GTGCACA deleted on the plus strand (TGTGCAC on the coding strand, the reverse complement: RNF43 is on the minus strand); deleting any 7 consecutive bases within chr17:58,357,751-58,357,759 gives the same sequence; the c. name uses the placement nearest the transcript's 3' end. VCF-style (leftmost placement, unchanged base first): chr17-58357750-GGTGCACA-G. GRCh37 (hg19) VCF-style: chr17-56435111-GGTGCACA-G.
Other names: c.2017_2023delACTGTGC, p.Val674Glnfs (NM_001305544.3); c.1636_1642delACTGTGC, p.Val547Glnfs (NM_001305545.2); short protein forms V547fs, V674fs.
Identifiers: ClinVar variation 2019381 (VCV002019381.4), dbSNP rs2509338706, ClinGen allele CA2580094289.